The following is an entry in ClinVar:

NM_001042492.3(NF1):c.8273C>G (p.Pro2758Arg)

Gene: NF1 (neurofibromin 1; plus strand). Cytogenetic location: 17q11.2.
Variant type: single nucleotide variant.
Coding change: c.8273C>G on transcript NM_001042492.3 (MANE Select); coding-DNA position 8273, C replaced by G.
Protein change: p.Pro2758Arg; replaces proline 2758 with arginine.
Molecular consequence: missense variant.
Genome position (GRCh38, 1-based): chr17:31,360,599, C>G. VCF-style: chr17-31360599-C-G. GRCh37 (hg19) VCF-style: chr17-29687617-C-G.
Other names: c.8210C>G, p.Pro2737Arg (NM_000267.4); short protein forms P2758R, P2737R.
Identifiers: ClinVar variation 1503964 (VCV001503964.8), dbSNP rs2151588007, ClinGen allele CA399204774.
Genomic context (GRCh38, chr17:31,360,599, plus strand): 5'-TGATTGACACGTACCTGCCTGGAATTGATGAAGAAACCAGTGAAGAATCCCTCCTGACTC[C>G]CACATCTCCTTACCCTCCTGCACTGCAGAGCCAGCTTAGTATCACTGCCAACCTTAACCT-3'
Protein context (NP_001035957.1, residues 2748-2768): EETSEESLLT[Pro2758Arg]TSPYPPALQS

ClinVar aggregate classification (germline): Uncertain significance (1 of 4 stars; one submission).

Conditions:
Neurofibromatosis, type 1 (NF1). Also called: VON RECKLINGHAUSEN DISEASE; NEUROFIBROMATOSIS, TYPE I, SOMATIC; Peripheral type neurofibromatosis; Neurofibromatosis, type I. Identifiers: Orphanet 636, MedGen C0027831, MONDO:0018975, OMIM 162200. Disease mechanism: loss of function.

Submission:

Labcorp Genetics (formerly Invitae), Labcorp
Classification: Uncertain significance for Neurofibromatosis, type 1. Last evaluated: 2021-01-19. Review status: criteria provided, single submitter. Criteria: Invitae Variant Classification Sherloc (09022015). Collection method: clinical testing. Allele origin: germline.
Comment: This sequence change replaces proline with arginine at codon 2737 of the NF1 protein (p.Pro2737Arg). The proline residue is moderately conserved and there is a moderate physicochemical difference between proline and arginine. This variant is not present in population databases (ExAC no frequency). This variant has not been reported in the literature in individuals with NF1-related conditions. Algorithms developed to predict the effect of missense changes on protein structure and function are either unavailable or do not agree on the potential impact of this missense change (SIFT: "Deleterious"; PolyPhen-2: "Probably Damaging"; Align-GVGD: "Class C0"). In summary, the available evidence is currently insufficient to determine the role of this variant in disease. Therefore, it has been classified as a Variant of Uncertain Significance.